The following is an entry in ClinVar:

ClinVar aggregate classification (germline): Uncertain significance. Review status: criteria provided, multiple submitters, no conflicts (2 of 4 stars). 3 submissions from 3 submitters: Uncertain significance (3). Last evaluated 2025-02-05.

Conditions:
Developmental and epileptic encephalopathy, 9 (DEE9). Also called: JUBERG-HELLMAN SYNDROME; Early infantile epileptic encephalopathy 9; EPILEPSY, FEMALE-RESTRICTED, WITH MENTAL RETARDATION; PCDH19-Related X-Linked Female-Limited Epilepsy with Mental Retardation. Identifiers: Orphanet 101039, Orphanet 2076, MedGen C1848137, MONDO:0010246, OMIM 300088. Disease mechanism: loss of function.

Allele frequency attached by ClinVar (database versions not stated): gnomAD exomes 0.00001.

Submissions (3):

Labcorp Genetics (formerly Invitae), Labcorp
Classification: Uncertain significance for Developmental and epileptic encephalopathy, 9. Last evaluated: 2025-02-05. Review status: criteria provided, single submitter. Criteria: Invitae Variant Classification Sherloc (09022015). Collection method: clinical testing. Allele origin: germline.
Comment: This sequence change replaces asparagine, which is neutral and polar, with serine, which is neutral and polar, at codon 391 of the PCDH19 protein (p.Asn391Ser). This variant is present in population databases (no rsID available, gnomAD 0.001%). This variant has not been reported in the literature in individuals affected with PCDH19-related conditions. ClinVar contains an entry for this variant (Variation ID: 855442). Invitae Evidence Modeling of protein sequence and biophysical properties (such as structural, functional, and spatial information, amino acid conservation, physicochemical variation, residue mobility, and thermodynamic stability) indicates that this missense variant is not expected to disrupt PCDH19 protein function with a negative predictive value of 95%. In summary, the available evidence is currently insufficient to determine the role of this variant in disease. Therefore, it has been classified as a Variant of Uncertain Significance.

Blueprint Genetics
Classification: Uncertain significance. Last evaluated: 2023-01-25. Review status: criteria provided, single submitter. Criteria: ACMG Guidelines, 2015. Collection method: clinical testing. Allele origin: germline.

Institute of Human Genetics, University of Leipzig Medical Center
Classification: Uncertain significance for Developmental and epileptic encephalopathy, 9. Last evaluated: 2019-01-01. Review status: criteria provided, single submitter. Criteria: ACMG Guidelines, 2015. Collection method: clinical testing. Allele origin: unknown. Affected: no.

NM_001184880.2(PCDH19):c.1172A>G (p.Asn391Ser)

Gene: PCDH19 (protocadherin 19; minus strand). Cytogenetic location: Xq22.1.
Variant type: single nucleotide variant.
Coding change: c.1172A>G on transcript NM_001184880.2 (MANE Select); coding-DNA position 1172, A replaced by G.
Protein change: p.Asn391Ser; replaces asparagine 391 with serine.
Molecular consequence: missense variant.
Genome position (GRCh38, 1-based): chrX:100,407,426, T>C on the plus strand (A>G on the coding strand, the complement: PCDH19 is on the minus strand). VCF-style: chrX-100407426-T-C. GRCh37 (hg19) VCF-style: chrX-99662424-T-C.
Other names: c.1172A>G, p.Asn391Ser (NM_001105243.2, NM_020766.3); short protein forms N391S.
Identifiers: ClinVar variation 855442 (VCV000855442.12), dbSNP rs1413596219, ClinGen allele CA414003866.
Genomic context (GRCh38, chrX:100,407,426, plus strand): 5'-AGCCGTCCGTCCACCAGAATAGTGGAGAAGCTCTCATATTCCTGCAGTCGAAAGGGCACA[T>C]TGCCCAGCAAACGGCACTGCACACGTCCATTGAGGCCTGAGTCGCGATCAGACACCCGCA-3'
Protein context (NP_001171809.1, residues 381-401): NGRVQCRLLG[Asn391Ser]VPFRLQEYES